The following is an entry in ClinVar:

ClinVar aggregate classification (germline): Uncertain significance (1 of 4 stars; one submission).

gnomAD v4.1: 21 of 1,613,858 alleles (0.0013%); highest among the groups gnomAD compares: Middle Eastern, 0.016%; no homozygotes.

Submission:

Labcorp Genetics (formerly Invitae), Labcorp
Classification: Uncertain significance. Last evaluated: 2024-04-01. Review status: criteria provided, single submitter. Criteria: Invitae Variant Classification Sherloc (09022015). Collection method: clinical testing. Allele origin: germline.
Comment: This sequence change creates a premature translational stop signal (p.Arg357*) in the CREB3L3 gene. While this is not anticipated to result in nonsense mediated decay, it is expected to disrupt the last 105 amino acid(s) of the CREB3L3 protein. This variant is present in population databases (rs755042043, gnomAD 0.002%). This variant has not been reported in the literature in individuals affected with CREB3L3-related conditions. In summary, the available evidence is currently insufficient to determine the role of this variant in disease. Therefore, it has been classified as a Variant of Uncertain Significance.

NM_032607.3(CREB3L3):c.1069C>T (p.Arg357Ter)

Gene: CREB3L3 (cAMP responsive element binding protein 3 like 3; plus strand). Cytogenetic location: 19p13.3.
Variant type: single nucleotide variant.
Coding change: c.1069C>T on transcript NM_032607.3 (MANE Select); coding-DNA position 1069, C replaced by T.
Protein change: p.Arg357Ter; replaces arginine 357 with a stop codon.
Molecular consequence: nonsense. On other transcripts: missense variant (1).
Genome position (GRCh38, 1-based): chr19:4,171,476, C>T. VCF-style: chr19-4171476-C-T. GRCh37 (hg19) VCF-style: chr19-4171473-C-T.
Other names: c.1066C>T, p.Arg356Ter (NM_001271995.2); c.1063C>T, p.Arg355Ter (NM_001271996.2); c.962C>T, p.Thr321Met (NM_001271997.2); short protein forms R355*, R356*, R357*, T321M.
Identifiers: ClinVar variation 3604257 (VCV003604257.2).
Genomic context (GRCh38, chr19:4,171,476, plus strand): 5'-CCCTCCATCAGCCCTTTTGGCCCCAACAAAACCGAGAGCCCTGGGGACTTTGCGCCTGTA[C>T]GAGGTAGGGGATCCCCACCTTTGAAACCCTTGTCTGGTCTCCCCAAGTCCCCGTCCTGGG-3'